The following is an entry in ClinVar:

ClinVar aggregate classification (germline): Uncertain significance (1 of 4 stars; one submission).

Conditions:
SPTBN2-related disorder. Also called: SPTBN2-related condition.

Submission:

PreventionGenetics, part of Exact Sciences
Classification: Uncertain significance for SPTBN2-related condition. Last evaluated: 2023-06-22. Review status: criteria provided, single submitter. Criteria: ACMG Guidelines, 2015. Collection method: clinical testing. Allele origin: germline.
Comment: The SPTBN2 c.4707G>A variant is predicted to result in the amino acid substitution p.Met1569Ile. To our knowledge, this variant has not been reported in the literature or in a large population database, indicating this variant is rare. At this time, the clinical significance of this variant is uncertain due to the absence of conclusive functional and genetic evidence.

NM_006946.4(SPTBN2):c.4707G>A (p.Met1569Ile)

Gene: SPTBN2 (spectrin beta, non-erythrocytic 2; minus strand). Cytogenetic location: 11q13.2.
Variant type: single nucleotide variant.
Coding change: c.4707G>A on transcript NM_006946.4 (MANE Select); coding-DNA position 4707, G replaced by A.
Protein change: p.Met1569Ile; replaces methionine 1569 with isoleucine.
Molecular consequence: missense variant.
Genome position (GRCh38, 1-based): chr11:66,693,333, C>T on the plus strand (G>A on the coding strand, the complement: SPTBN2 is on the minus strand). VCF-style: chr11-66693333-C-T. GRCh37 (hg19) VCF-style: chr11-66460804-C-T.
Other names: c.4728G>A, p.Met1576Ile (NM_001411025.1); short protein forms M1569I, M1576I.
Identifiers: ClinVar variation 2632693 (VCV002632693.1), dbSNP rs2495959819, ClinGen allele CA381469297.